The following is an entry in ClinVar:

ClinVar aggregate classification (germline): Conflicting classifications of pathogenicity. Review status: criteria provided, conflicting classifications (1 of 4 stars). 3 submissions from 3 submitters: Uncertain significance (1); Likely benign (2). Last evaluated 2025-03-22.

Conditions:
Oculofaciocardiodental syndrome (MCOPS2). Identifiers: Orphanet 2712, MedGen C1846265, MONDO:0010261, OMIM 300166.
BCOR-related disorder. Also called: BCOR-related condition; BCOR-related disorders.
Inborn genetic diseases. Identifiers: MedGen C0950123, MeSH D030342.

gnomAD v4.1: 20 of 1,210,429 alleles (0.0017%); highest among the groups gnomAD compares: African/African-American, 0.0087%; no homozygotes.

Submissions (3):

PreventionGenetics, part of Exact Sciences
Classification: Likely benign for BCOR-related condition. Last evaluated: 2025-03-22. Review status: criteria provided, single submitter. Criteria: ACMG Guidelines, 2015. Collection method: clinical testing. Allele origin: germline.
Comment: This variant is classified as likely benign based on ACMG/AMP sequence variant interpretation guidelines (Richards et al. 2015 PMID: 25741868, with internal and published modifications).

Ambry Genetics
Classification: Likely benign for Inborn genetic diseases. Last evaluated: 2025-03-05. Review status: criteria provided, single submitter. Criteria: Ambry Variant Classification Scheme 2023. Collection method: clinical testing. Allele origin: germline.

Labcorp Genetics (formerly Invitae), Labcorp
Classification: Uncertain significance for Oculofaciocardiodental syndrome. Last evaluated: 2025-02-12. Review status: criteria provided, single submitter. Criteria: Invitae Variant Classification Sherloc (09022015). Collection method: clinical testing. Allele origin: germline.
Comment: This sequence change replaces proline, which is neutral and non-polar, with leucine, which is neutral and non-polar, at codon 787 of the BCOR protein (p.Pro787Leu). This variant is present in population databases (rs376056253, gnomAD 0.008%). This variant has not been reported in the literature in individuals affected with BCOR-related conditions. An algorithm developed to predict the effect of missense changes on protein structure and function outputs the following: PolyPhen-2: "Benign". The leucine amino acid residue is found in multiple mammalian species, which suggests that this missense change does not adversely affect protein function. In summary, the available evidence is currently insufficient to determine the role of this variant in disease. Therefore, it has been classified as a Variant of Uncertain Significance.

NM_001123385.2(BCOR):c.2360C>T (p.Pro787Leu)

Gene: BCOR (BCL6 corepressor; minus strand). Cytogenetic location: Xp11.4.
Variant type: single nucleotide variant.
Coding change: c.2360C>T on transcript NM_001123385.2 (MANE Select); coding-DNA position 2360, C replaced by T.
Protein change: p.Pro787Leu; replaces proline 787 with leucine.
Molecular consequence: missense variant.
Genome position (GRCh38, 1-based): chrX:40,072,986, G>A on the plus strand (C>T on the coding strand, the complement: BCOR is on the minus strand). VCF-style: chrX-40072986-G-A. GRCh37 (hg19) VCF-style: chrX-39932239-G-A.
Other names: c.2360C>T, p.Pro787Leu (NM_017745.6, NM_001123383.2, NM_001123384.2); short protein forms P787L.
Identifiers: ClinVar variation 3824050 (VCV003824050.3).